The following is an entry in ClinVar:

ClinVar aggregate classification (germline): Benign. Review status: criteria provided, single submitter (1 of 4 stars). 2 submissions from 2 submitters: Benign (1). 1 of the submissions does not count toward it. Last evaluated 2025-10-26.

Conditions:
FASN-related disorder. Also called: FASN-related condition.
Epileptic encephalopathy. Identifiers: MedGen C0543888, HP:0200134.

Allele frequency attached by ClinVar (database versions not stated): gnomAD 0.00074 and 0.00078; 1000 Genomes Project 0.00200; gnomAD exomes 0.00021; ExAC 0.00030; TOPMed 0.00073; ESP Exome Variant Server 0.00092; 1000 Genomes Project 30x 0.00187.
gnomAD v4.1: 227 of 1,612,112 alleles (0.014%); highest among the groups gnomAD compares: African/African-American, 0.24%; 1 homozygote.

Submissions (2):

Labcorp Genetics (formerly Invitae), Labcorp
Classification: Benign for Epileptic encephalopathy. Last evaluated: 2025-10-26. Review status: criteria provided, single submitter. Criteria: Invitae Variant Classification Sherloc (09022015). Collection method: clinical testing. Allele origin: germline.

PreventionGenetics, part of Exact Sciences
Classification: Likely benign for FASN-related condition. Last evaluated: 2021-04-02. Review status: no assertion criteria provided. Collection method: clinical testing. Allele origin: germline. Not counted in ClinVar's aggregate classification.
Comment: This variant is classified as likely benign based on ACMG/AMP sequence variant interpretation guidelines (Richards et al. 2015 PMID: 25741868, with internal and published modifications).

NM_004104.5(FASN):c.4896C>T (p.Phe1632=)

Gene: FASN (fatty acid synthase; minus strand). Cytogenetic location: 17q25.3.
Variant type: single nucleotide variant.
Coding change: c.4896C>T on transcript NM_004104.5 (MANE Select); coding-DNA position 4896, C replaced by T.
Protein change: p.Phe1632=; no amino-acid change (phenylalanine 1632 retained).
Molecular consequence: synonymous variant.
Genome position (GRCh38, 1-based): chr17:82,084,257, G>A on the plus strand (C>T on the coding strand, the complement: FASN is on the minus strand). VCF-style: chr17-82084257-G-A. GRCh37 (hg19) VCF-style: chr17-80042133-G-A.
Identifiers: ClinVar variation 771254 (VCV000771254.13), dbSNP rs138021448, ClinGen allele CA8851907.